The following is an entry in ClinVar:

ClinVar aggregate classification (germline): Uncertain significance (1 of 4 stars; one submission).

Conditions:
Telangiectasia, hereditary hemorrhagic, type 5 (HHT5). Identifiers: Orphanet 774, MedGen C3809710, MONDO:0014217, OMIM 615506.

Submission:

NIHR Bioresource Rare Diseases, University of Cambridge
Classification: Uncertain significance for Telangiectasia, hereditary hemorrhagic, type 5. Last evaluated: 2018-01-01. Review status: criteria provided, single submitter. Criteria: ACMG Guidelines, 2015. Collection method: research. Allele origin: unknown. Affected: yes. Observed: 1 variant allele.
Comment: PM2 + PP4

Literature cited by the submitters: PubMed 32573726.

NM_016204.4(GDF2):c.348T>C (p.Asp116=)

Gene: GDF2 (growth differentiation factor 2; plus strand). Cytogenetic location: 10q11.22.
Variant type: single nucleotide variant.
Coding change: c.348T>C on transcript NM_016204.4 (MANE Select); coding-DNA position 348, T replaced by C.
Protein change: p.Asp116=; no amino-acid change (aspartic acid 116 retained).
Molecular consequence: synonymous variant.
Genome position (GRCh38, 1-based): chr10:47,324,842, T>C. VCF-style: chr10-47324842-T-C. GRCh37 (hg19) VCF-style: chr10-48414520-A-G.
Identifiers: ClinVar variation 982492 (VCV000982492.1), dbSNP rs2061098325, ClinGen allele CA469569212.
Genomic context (GRCh38, chr10:47,324,842, plus strand): 5'-TTCAGTGTCATGGAAACAGACCCTCCAGCAGATGCCCACCACGTGTGTTTGCATTTCAGA[T>C]GCCATCTCCATAACTGCCACAGAGGACTTCCCCTTCCAGAAGCACATCTTGCTCTTCAAC-3'
Protein context (NP_057288.1, residues 106-126): SNIVRSFSME[Asp116=]AISITATEDF